The following is an entry in ClinVar:

NM_000392.5(ABCC2):c.4242C>T (p.His1414=)

Gene: ABCC2 (ATP binding cassette subfamily C member 2; plus strand). Cytogenetic location: 10q24.2.
Variant type: single nucleotide variant.
Coding change: c.4242C>T on transcript NM_000392.5 (MANE Select); coding-DNA position 4242, C replaced by T.
Protein change: p.His1414=; no amino-acid change (histidine 1414 retained).
Molecular consequence: synonymous variant.
Genome position (GRCh38, 1-based): chr10:99,847,056, C>T. VCF-style: chr10-99847056-C-T. GRCh37 (hg19) VCF-style: chr10-101606813-C-T.
Other names: c.4242C>T (NM_000392.4).
Identifiers: ClinVar variation 2716629 (VCV002716629.4), dbSNP rs17216296, ClinGen allele CA5644085.

ClinVar aggregate classification (germline): Likely benign. Review status: criteria provided, single submitter (1 of 4 stars). 2 submissions from 2 submitters: Likely benign (1). 1 of the submissions does not count toward it. Last evaluated 2024-02-04.

Conditions:
ABCC2-related disorder. Also called: ABCC2-related condition.

Allele frequency attached by ClinVar (database versions not stated): gnomAD exomes 0.00001; ExAC 0.00007; TOPMed 0.00010; gnomAD 0.00015; 1000 Genomes Project 0.00020; ESP Exome Variant Server 0.00023; 1000 Genomes Project 30x 0.00031.
gnomAD v4.1: 41 of 1,614,234 alleles (0.0025%); highest among the groups gnomAD compares: African/African-American, 0.044%; no homozygotes.

Submissions (2):

Labcorp Genetics (formerly Invitae), Labcorp
Classification: Likely benign. Last evaluated: 2024-02-04. Review status: criteria provided, single submitter. Criteria: Invitae Variant Classification Sherloc (09022015). Collection method: clinical testing. Allele origin: germline.

PreventionGenetics, part of Exact Sciences
Classification: Likely benign for ABCC2-related condition. Last evaluated: 2024-05-22. Review status: no assertion criteria provided. Collection method: clinical testing. Allele origin: germline. Not counted in ClinVar's aggregate classification.
Comment: This variant is classified as likely benign based on ACMG/AMP sequence variant interpretation guidelines (Richards et al. 2015 PMID: 25741868, with internal and published modifications).